The following is an entry in ClinVar:

NM_004171.4(SLC1A2):c.1483C>T (p.His495Tyr)

Gene: SLC1A2 (solute carrier family 1 member 2; minus strand). Cytogenetic location: 11p13.
Variant type: single nucleotide variant.
Coding change: c.1483C>T on transcript NM_004171.4 (MANE Select); coding-DNA position 1483, C replaced by T.
Protein change: p.His495Tyr; replaces histidine 495 with tyrosine.
Molecular consequence: missense variant.
Genome position (GRCh38, 1-based): chr11:35,265,697, G>A on the plus strand (C>T on the coding strand, the complement: SLC1A2 is on the minus strand). VCF-style: chr11-35265697-G-A. GRCh37 (hg19) VCF-style: chr11-35287244-G-A.
Other names: c.1456C>T, p.His486Tyr (NM_001195728.3, NM_001252652.2); short protein forms H495Y, H486Y.
Identifiers: ClinVar variation 1417326 (VCV001417326.6), dbSNP rs369580266, ClinGen allele CA5947069.

ClinVar aggregate classification (germline): Uncertain significance (1 of 4 stars; one submission).

Allele frequency attached by ClinVar (database versions not stated): gnomAD 0.00001; gnomAD exomes 0.00001; TOPMed 0.00001; ExAC 0.00002; ESP Exome Variant Server 0.00008.
gnomAD v4.1: 10 of 1,613,912 alleles (0.00062%); highest among the groups gnomAD compares: Non-Finnish European, 0.00085%; no homozygotes.

Submission:

Labcorp Genetics (formerly Invitae), Labcorp
Classification: Uncertain significance. Last evaluated: 2021-08-05. Review status: criteria provided, single submitter. Criteria: Invitae Variant Classification Sherloc (09022015). Collection method: clinical testing. Allele origin: germline.
Comment: This sequence change replaces histidine with tyrosine at codon 495 of the SLC1A2 protein (p.His495Tyr). The histidine residue is highly conserved and there is a moderate physicochemical difference between histidine and tyrosine. This variant is present in population databases (rs369580266, ExAC 0.004%). This variant has not been reported in the literature in individuals affected with SLC1A2-related conditions. Algorithms developed to predict the effect of missense changes on protein structure and function (SIFT, PolyPhen-2, Align-GVGD) all suggest that this variant is likely to be disruptive. In summary, the available evidence is currently insufficient to determine the role of this variant in disease. Therefore, it has been classified as a Variant of Uncertain Significance.